The following is an entry in ClinVar:

ClinVar aggregate classification (germline): Uncertain significance (1 of 4 stars; one submission).

Conditions:
Amyotrophic lateral sclerosis type 1 (ALS1). Also called: AMYOTROPHIC LATERAL SCLEROSIS 1, FAMILIAL. Identifiers: Orphanet 803, MedGen C1862939, MONDO:0007103, OMIM 105400.
Neuronopathy, distal hereditary motor, type 7B. Also called: Distal Hereditary Motor Neuronopathy Type 7B (dHMN7B); HMN VIIB; LOWER MOTOR NEURON DISEASE, DYNACTIN TYPE; NEURONOPATHY, DISTAL HEREDITARY MOTOR, AUTOSOMAL DOMINANT 14; NEURONOPATHY, DISTAL HEREDITARY MOTOR, HARDING TYPE VIIB; NEUROPATHY, DISTAL HEREDITARY MOTOR, HARDING TYPE VIIB. Identifiers: Orphanet 139589, MedGen C1843315, MONDO:0011879, OMIM 607641.
Perry syndrome. Also called: PARKINSONISM WITH ALVEOLAR HYPOVENTILATION AND MENTAL DEPRESSION. Identifiers: Orphanet 178509, MedGen C1868594, MONDO:0008201, OMIM 168605.

Allele frequency attached by ClinVar (database versions not stated): ExAC 0.00001; gnomAD exomes 0.00001; gnomAD 0.00002; TOPMed 0.00002.
gnomAD v4.1: 20 of 1,614,040 alleles (0.0012%); highest among the groups gnomAD compares: Non-Finnish European, 0.0014%; no homozygotes.

Submission:

Labcorp Genetics (formerly Invitae), Labcorp
Classification: Uncertain significance for Amyotrophic lateral sclerosis type 1; Neuronopathy, distal hereditary motor, type 7B; Perry syndrome. Last evaluated: 2023-10-17. Review status: criteria provided, single submitter. Criteria: Invitae Variant Classification Sherloc (09022015). Collection method: clinical testing. Allele origin: germline.
Comment: This sequence change replaces threonine, which is neutral and polar, with methionine, which is neutral and non-polar, at codon 1044 of the DCTN1 protein (p.Thr1044Met). This variant is present in population databases (rs770717679, gnomAD 0.003%). This variant has not been reported in the literature in individuals affected with DCTN1-related conditions. ClinVar contains an entry for this variant (Variation ID: 2193527). Advanced modeling of protein sequence and biophysical properties (such as structural, functional, and spatial information, amino acid conservation, physicochemical variation, residue mobility, and thermodynamic stability) performed at Invitae indicates that this missense variant is not expected to disrupt DCTN1 protein function. In summary, the available evidence is currently insufficient to determine the role of this variant in disease. Therefore, it has been classified as a Variant of Uncertain Significance.

NM_004082.5(DCTN1):c.3131C>T (p.Thr1044Met)

Gene: DCTN1 (dynactin subunit 1; minus strand). Cytogenetic location: 2p13.1.
Variant type: single nucleotide variant.
Coding change: c.3131C>T on transcript NM_004082.5 (MANE Select); coding-DNA position 3131, C replaced by T.
Protein change: p.Thr1044Met; replaces threonine 1044 with methionine.
Molecular consequence: missense variant. On other transcripts: non-coding transcript variant (1).
Genome position (GRCh38, 1-based): chr2:74,365,140, G>A on the plus strand (C>T on the coding strand, the complement: DCTN1 is on the minus strand). VCF-style: chr2-74365140-G-A. GRCh37 (hg19) VCF-style: chr2-74592267-G-A.
Other names: c.2729C>T, p.Thr910Met (NM_023019.4, NM_001135041.3); c.3062C>T, p.Thr1021Met (NM_001378992.1); c.3071C>T, p.Thr1024Met (NM_001135040.3); c.3020C>T, p.Thr1007Met (NM_001190836.2); c.3110C>T, p.Thr1037Met (NM_001190837.2); c.3080C>T, p.Thr1027Met (NM_001378991.1); short protein forms T1044M, T1037M, T1007M, T1021M, T1027M, T1024M, T910M.
Identifiers: ClinVar variation 2193527 (VCV002193527.4), dbSNP rs770717679, ClinGen allele CA1721620.
Genomic context (GRCh38, chr2:74,365,140, plus strand): 5'-GCAATGCCAGAGACCAGAGTAGCAATGCCTGAAGGAGGAGGGCCCCGGAGTCCCTCAATC[G>A]TGCGTTTGGACTGGCTGTTCAGACGCTGCTTTAGTTCTGCCTTCTCTGCCTCCAGCTGGT-3'
Protein context (NP_004073.2, residues 1034-1054): KQRLNSQSKR[Thr1044Met]IEGLRGPPPS